The following is an entry in ClinVar:

NM_001330078.2(NRXN1):c.4067C>T (p.Thr1356Met)

Gene: NRXN1 (neurexin 1; minus strand). Cytogenetic location: 2p16.3.
Variant type: single nucleotide variant.
Coding change: c.4067C>T on transcript NM_001330078.2 (MANE Select); coding-DNA position 4067, C replaced by T.
Protein change: p.Thr1356Met; replaces threonine 1356 with methionine.
Molecular consequence: missense variant.
Genome position (GRCh38, 1-based): chr2:50,053,332, G>A on the plus strand (C>T on the coding strand, the complement: NRXN1 is on the minus strand). VCF-style: chr2-50053332-G-A. GRCh37 (hg19) VCF-style: chr2-50280470-G-A.
Other names: c.4187C>T, p.Thr1396Met (NM_001135659.3); c.4043C>T, p.Thr1348Met (NM_001330077.2, NM_001330082.2); c.3911C>T, p.Thr1304Met (NM_001330083.2); c.4001C>T, p.Thr1334Met (NM_001330084.2); c.4040C>T, p.Thr1347Met (NM_001330085.2); c.4067C>T, p.Thr1356Met (NM_001330086.2); c.3866C>T, p.Thr1289Met (NM_001330087.2, NM_001330096.2); c.3896C>T, p.Thr1299Met (NM_001330088.2); and 6 more; short protein forms T1289M, T1334M, T1356M, T1326M, T1347M, T1352M, T1396M, T291M.
Identifiers: ClinVar variation 1413391 (VCV001413391.6), dbSNP rs199701703, ClinGen allele CA1654307.

ClinVar aggregate classification (germline): Uncertain significance (1 of 4 stars; one submission).

Conditions:
Pitt-Hopkins-like syndrome 2 (PTHSL2). Identifiers: Orphanet 221150, Orphanet 600663, MedGen C3280479, MONDO:0013690, OMIM 614325.

Allele frequency attached by ClinVar (database versions not stated): gnomAD exomes 0.00001 and 0.00002; ExAC 0.00002; TOPMed 0.00002; gnomAD 0.00004.
gnomAD v4.1: 25 of 1,613,910 alleles (0.0015%); highest among the groups gnomAD compares: East Asian, 0.0067%; no homozygotes.

Submission:

Labcorp Genetics (formerly Invitae), Labcorp
Classification: Uncertain significance for Pitt-Hopkins-like syndrome 2. Last evaluated: 2024-09-23. Review status: criteria provided, single submitter. Criteria: Invitae Variant Classification Sherloc (09022015). Collection method: clinical testing. Allele origin: germline.
Comment: This sequence change replaces threonine, which is neutral and polar, with methionine, which is neutral and non-polar, at codon 1396 of the NRXN1 protein (p.Thr1396Met). This variant is present in population databases (rs199701703, gnomAD 0.01%). This missense change has been observed in individual(s) with NRXN1-related conditions (PMID: 33004838). ClinVar contains an entry for this variant (Variation ID: 1413391). Invitae Evidence Modeling of protein sequence and biophysical properties (such as structural, functional, and spatial information, amino acid conservation, physicochemical variation, residue mobility, and thermodynamic stability) indicates that this missense variant is not expected to disrupt NRXN1 protein function with a negative predictive value of 80%. In summary, the available evidence is currently insufficient to determine the role of this variant in disease. Therefore, it has been classified as a Variant of Uncertain Significance.

Literature cited by the submitters: PubMed 33004838.